The following is an entry in ClinVar:

ClinVar aggregate classification (germline): Uncertain significance (1 of 4 stars; one submission).

Conditions:
Hereditary cancer-predisposing syndrome. Also called: Neoplastic Syndromes, Hereditary; Tumor predisposition; Hereditary Cancer Syndrome; Hereditary neoplastic syndrome. Identifiers: Orphanet 140162, MedGen C0027672, MeSH D009386, MONDO:0015356.

Submission:

Color Diagnostics, LLC DBA Color Health
Classification: Uncertain significance for Hereditary cancer-predisposing syndrome. Last evaluated: 2019-10-03. Review status: criteria provided, single submitter. Criteria: ACMG Guidelines, 2015. Collection method: clinical testing. Allele origin: germline.
Comment: This missense variant replaces proline with serine at codon 1526 of the APC protein. Computational prediction tool is inconclusive regarding the impact of this variant on protein structure and function (internally defined REVEL score threshold 0.5 < inconclusive < 0.7, PMID: 27666373). Splice site prediction tools suggest that this variant may not impact RNA splicing. To our knowledge, functional studies have not been performed for this variant. This variant has not been reported in individuals affected with hereditary cancer in the literature. This variant has not been identified in the general population by the Genome Aggregation Database (gnomAD). The available evidence is insufficient to determine the role of this variant in disease conclusively. Therefore, this variant is classified as a Variant of Uncertain Significance.

NM_000038.6(APC):c.4576C>T (p.Pro1526Ser)

Gene: APC (APC regulator of Wnt signaling pathway; plus strand). Cytogenetic location: 5q22.2.
Variant type: single nucleotide variant.
Coding change: c.4576C>T on transcript NM_000038.6 (MANE Select); coding-DNA position 4576, C replaced by T.
Protein change: p.Pro1526Ser; replaces proline 1526 with serine.
Molecular consequence: missense variant.
Genome position (GRCh38, 1-based): chr5:112,840,170, C>T. VCF-style: chr5-112840170-C-T. GRCh37 (hg19) VCF-style: chr5-112175867-C-T.
Other names: c.4576C>T, p.Pro1526Ser (NM_001127510.3, NM_001354895.2); c.4522C>T, p.Pro1508Ser (NM_001127511.3); c.4630C>T, p.Pro1544Ser (NM_001354896.2); c.4606C>T, p.Pro1536Ser (NM_001354897.2); c.4501C>T, p.Pro1501Ser (NM_001354898.2); c.4492C>T, p.Pro1498Ser (NM_001354899.2); c.4453C>T, p.Pro1485Ser (NM_001354900.2); c.4399C>T, p.Pro1467Ser (NM_001354901.2); and 5 more; short protein forms P1243S, P1425S, P1485S, P1498S, P1501S, P1508S, P1526S, P1366S.
Identifiers: ClinVar variation 922090 (VCV000922090.3), dbSNP rs1765713119, ClinGen allele CA16031354.